The following is an entry in ClinVar:

NM_002485.5(NBN):c.1693C>A (p.Gln565Lys)

Gene: NBN (nibrin; minus strand). Cytogenetic location: 8q21.3.
Variant type: single nucleotide variant.
Coding change: c.1693C>A on transcript NM_002485.5 (MANE Select); coding-DNA position 1693, C replaced by A.
Protein change: p.Gln565Lys; replaces glutamine 565 with lysine.
Molecular consequence: missense variant.
Genome position (GRCh38, 1-based): chr8:89,953,396, G>T on the plus strand (C>A on the coding strand, the complement: NBN is on the minus strand). VCF-style: chr8-89953396-G-T. GRCh37 (hg19) VCF-style: chr8-90965624-G-T.
Other names: c.1447C>A, p.Gln483Lys (NM_001024688.3); short protein forms Q483K, Q565K.
Identifiers: ClinVar variation 1014623 (VCV001014623.6), dbSNP rs1586053399, ClinGen allele CA371655304.

ClinVar aggregate classification (germline): Uncertain significance (1 of 4 stars; one submission).

Conditions:
Microcephaly, normal intelligence and immunodeficiency (NBS). Also called: SEEMANOVA SYNDROME II; IMMUNODEFICIENCY, MICROCEPHALY, AND CHROMOSOMAL INSTABILITY; Ataxia telangiectasia variant V1; BERLIN BREAKAGE SYNDROME; Nijmegen breakage syndrome; Microcephaly with normal intelligence immunodeficiency and lymphoreticular malignancies. Identifiers: Orphanet 647, MedGen C0398791, MONDO:0009623, OMIM 251260.

Submission:

Labcorp Genetics (formerly Invitae), Labcorp
Classification: Uncertain significance for Microcephaly, normal intelligence and immunodeficiency. Last evaluated: 2022-09-07. Review status: criteria provided, single submitter. Criteria: Invitae Variant Classification Sherloc (09022015). Collection method: clinical testing. Allele origin: germline.
Comment: This variant has not been reported in the literature in individuals affected with NBN-related conditions. In summary, the available evidence is currently insufficient to determine the role of this variant in disease. Therefore, it has been classified as a Variant of Uncertain Significance. Algorithms developed to predict the effect of missense changes on protein structure and function (SIFT, PolyPhen-2, Align-GVGD) all suggest that this variant is likely to be tolerated. ClinVar contains an entry for this variant (Variation ID: 1014623). This variant is not present in population databases (gnomAD no frequency). This sequence change replaces glutamine, which is neutral and polar, with lysine, which is basic and polar, at codon 565 of the NBN protein (p.Gln565Lys).